The following is an entry in ClinVar:

NM_001040108.2(MLH3):c.4009G>A (p.Glu1337Lys)

Gene: MLH3 (mutL homolog 3; minus strand). Cytogenetic location: 14q24.3.
Variant type: single nucleotide variant.
Coding change: c.4009G>A on transcript NM_001040108.2 (MANE Select); coding-DNA position 4009, G replaced by A.
Protein change: p.Glu1337Lys; replaces glutamic acid 1337 with lysine.
Molecular consequence: missense variant.
Genome position (GRCh38, 1-based): chr14:75,022,997, C>T on the plus strand (G>A on the coding strand, the complement: MLH3 is on the minus strand). VCF-style: chr14-75022997-C-T. GRCh37 (hg19) VCF-style: chr14-75489700-C-T.
Other names: c.3937G>A, p.Glu1313Lys (NM_014381.3); short protein forms E1313K, E1337K.
Identifiers: ClinVar variation 641461 (VCV000641461.8), dbSNP rs1595034312, ClinGen allele CA390421121.

ClinVar aggregate classification (germline): Uncertain significance (1 of 4 stars; one submission).

Conditions:
Colorectal cancer, hereditary nonpolyposis, type 7. Identifiers: Orphanet 144, MedGen C1858380, MONDO:0013725, OMIM 614385.

Submission:

Labcorp Genetics (formerly Invitae), Labcorp
Classification: Uncertain significance for Colorectal cancer, hereditary nonpolyposis, type 7. Last evaluated: 2018-12-06. Review status: criteria provided, single submitter. Criteria: Invitae Variant Classification Sherloc (09022015). Collection method: clinical testing. Allele origin: germline.
Comment: In summary, the available evidence is currently insufficient to determine the role of this variant in disease. Therefore, it has been classified as a Variant of Uncertain Significance. Algorithms developed to predict the effect of missense changes on protein structure and function are either unavailable or do not agree on the potential impact of this missense change (SIFT: "Deleterious"; PolyPhen-2: "Probably Damaging"; Align-GVGD: "Class C0"). This variant has not been reported in the literature in individuals with MLH3-related conditions. This variant is not present in population databases (ExAC no frequency). This sequence change replaces glutamic acid with lysine at codon 1337 of the MLH3 protein (p.Glu1337Lys). The glutamic acid residue is highly conserved and there is a small physicochemical difference between glutamic acid and lysine.